The following is an entry in ClinVar:

NM_000157.4(GBA1):c.1373A>G (p.His458Arg)

Genes: GBA1 (glucosylceramidase beta 1; minus strand), LOC106627981 (GBA recombination region; plus strand). Cytogenetic location: 1q22.
Variant type: single nucleotide variant.
Coding change: c.1373A>G on transcript NM_000157.4 (MANE Select); coding-DNA position 1373, A replaced by G.
Protein change: p.His458Arg; replaces histidine 458 with arginine.
Molecular consequence: missense variant.
Genome position (GRCh38, 1-based): chr1:155,235,696, T>C on the plus strand (A>G on the coding strand, the complement: GBA1 is on the minus strand). VCF-style: chr1-155235696-T-C. GRCh37 (hg19) VCF-style: chr1-155205487-T-C.
Other names: c.1373A>G, p.His458Arg (NM_001005741.3, NM_001005742.3); c.1112A>G, p.His371Arg (NM_001171811.2); c.1226A>G, p.His409Arg (NM_001171812.2); short protein forms H371R, H409R, H458R.
Identifiers: ClinVar variation 3769395 (VCV003769395.2).

ClinVar aggregate classification (germline): Uncertain significance (1 of 4 stars; one submission).

Submission:

Women's Health and Genetics/Laboratory Corporation of America, LabCorp
Classification: Uncertain significance. Last evaluated: 2025-01-27. Review status: criteria provided, single submitter. Criteria: LabCorp Variant Classification Summary - May 2015. Collection method: clinical testing. Allele origin: germline.
Comment: Variant summary: GBA1 c.1373A>G (p.His458Arg) results in a non-conservative amino acid change located in the Glycosyl hydrolase family 30 TIM-barrel domain (IPR033453) of the encoded protein sequence. Three of five in-silico tools predict a damaging effect of the variant on protein function. The variant was absent in 1608628 control chromosomes. The available data on variant occurrences in the general population are insufficient to allow any conclusion about variant significance. c.1373A>G has been reported in the literature in a compound heterozygous individual affected with Gaucher Disease (Huang_2020). These data do not allow any conclusion about variant significance. To our knowledge, no experimental evidence demonstrating an impact on protein function has been reported. The following publication have been ascertained in the context of this evaluation (PMID: 32165122). No submitters have cited clinical-significance assessments for this variant to ClinVar. Based on the evidence outlined above, the variant was classified as uncertain significance.

Literature cited by the submitters: PubMed 32165122.